The following is an entry in ClinVar:

NM_020925.4(CACHD1):c.502C>T (p.Arg168Ter)

Gene: CACHD1 (cache domain containing 1; plus strand). Cytogenetic location: 1p31.3.
Variant type: single nucleotide variant.
Coding change: c.502C>T on transcript NM_020925.4 (MANE Select); coding-DNA position 502, C replaced by T.
Protein change: p.Arg168Ter; replaces arginine 168 with a stop codon.
Molecular consequence: nonsense. On other transcripts: 5 prime UTR variant (1).
Genome position (GRCh38, 1-based): chr1:64,602,897, C>T. VCF-style: chr1-64602897-C-T. GRCh37 (hg19) VCF-style: chr1-65068580-C-T.
Other names: c.-242C>T (NM_001293274.2); short protein forms R168*.
Identifiers: ClinVar variation 4893092 (VCV004893092.2).

ClinVar aggregate classification (germline): Conflicting classifications of pathogenicity. Review status: criteria provided, conflicting classifications (1 of 4 stars). 2 submissions from 2 submitters: Likely pathogenic (1); Uncertain significance (1). Last evaluated 2024-11-13.

Conditions:
DAVIS-WELLS SYNDROME (DVWS). Identifiers: MedGen CN381614, OMIM 621566.

gnomAD v4.1: 35 of 1,610,528 alleles (0.0022%); highest among the groups gnomAD compares: Admixed American, 0.0033%; no homozygotes.

Submissions (2):

Blueprint Genetics
Classification: Uncertain significance. Last evaluated: 2024-11-13. Review status: criteria provided, single submitter. Criteria: ACMG Guidelines, 2015. Collection method: clinical testing. Allele origin: germline.

Juno Genomics, Hangzhou Juno Genomics, Inc
Classification: Likely pathogenic for DAVIS-WELLS SYNDROME. Review status: criteria provided, single submitter. Criteria: ACMG Guidelines, 2015. Collection method: clinical testing. Allele origin: germline. Affected: yes.
Comment: Absent from controls (or at extremely low frequency if recessive) in Genome Aggregation Database.;Null variant in a gene where loss of function (LOF) is a known mechanism of disease.;Patient's phenotype or family history is highly specific for a disease with a single genetic etiology.